The following is an entry in ClinVar:

NM_001374736.1(DST):c.1951C>A (p.Leu651Ile)

Gene: DST (dystonin; minus strand). Cytogenetic location: 6p12.1.
Variant type: single nucleotide variant.
Coding change: c.1951C>A on transcript NM_001374736.1 (MANE Select); coding-DNA position 1951, C replaced by A.
Protein change: p.Leu651Ile; replaces leucine 651 with isoleucine.
Molecular consequence: missense variant.
Genome position (GRCh38, 1-based): chr6:56,642,023, G>T on the plus strand (C>A on the coding strand, the complement: DST is on the minus strand). VCF-style: chr6-56642023-G-T. GRCh37 (hg19) VCF-style: chr6-56506821-G-T.
Other names: c.1852C>A, p.Leu618Ile (NM_001144769.5); c.1438C>A, p.Leu480Ile (NM_001144770.2); c.1951C>A, p.Leu651Ile (NM_001374722.1); c.1318C>A, p.Leu440Ile (NM_001374729.1, NM_001374730.1, NM_001386100.1 and 1 more transcripts); c.1978C>A, p.Leu660Ile (NM_001374734.1); c.340C>A, p.Leu114Ile (NM_001723.7, NM_015548.5); short protein forms L114I, L440I, L480I, L618I, L651I, L660I.
Identifiers: ClinVar variation 581115 (VCV000581115.9), dbSNP rs767375796, ClinGen allele CA364614977.

ClinVar aggregate classification (germline): Uncertain significance (1 of 4 stars; one submission).

Conditions:
Epidermolysis bullosa simplex 3, localized or generalized intermediate, with BP230 deficiency (EBS3). Also called: Epidermolysis bullosa simplex, autosomal recessive 2; Epidermolysis bullosa simplex due to BP230 deficiency. Identifiers: Orphanet 412181, MedGen C3809470, MONDO:0014180, OMIM 615425.
Hereditary sensory and autonomic neuropathy type 6. Also called: HSAN VI; Neuropathy, hereditary sensory and autonomic, type VI. Identifiers: Orphanet 314381, MedGen C3539003, MONDO:0013839, OMIM 614653.

Allele frequency attached by ClinVar (database versions not stated): TOPMed 0.00001.
gnomAD v4.1: 21 of 1,612,660 alleles (0.0013%); highest among the groups gnomAD compares: African/African-American, 0.004%; no homozygotes.

Submission:

Labcorp Genetics (formerly Invitae), Labcorp
Classification: Uncertain significance for Epidermolysis bullosa simplex 3, localized or generalized intermediate, with BP230 deficiency; Hereditary sensory and autonomic neuropathy type 6. Last evaluated: 2020-03-18. Review status: criteria provided, single submitter. Criteria: Invitae Variant Classification Sherloc (09022015). Collection method: clinical testing. Allele origin: germline.
Comment: This sequence change replaces leucine with isoleucine at codon 114 of the DST protein (p.Leu114Ile). The leucine residue is highly conserved and there is a small physicochemical difference between leucine and isoleucine. This variant is not present in population databases (ExAC no frequency). This variant has not been reported in the literature in individuals with DST-related disease. Algorithms developed to predict the effect of missense changes on protein structure and function do not agree on the potential impact of this missense change (SIFT: "Deleterious"; PolyPhen-2: "Benign"; Align-GVGD: "Class C0"). In summary, the available evidence is currently insufficient to determine the role of this variant in disease. Therefore, it has been classified as a Variant of Uncertain Significance.